The following is an entry in ClinVar:

NM_033118.4(MYLK2):c.1083-3C>G

Gene: MYLK2 (myosin light chain kinase 2; plus strand). Cytogenetic location: 20q11.21.
Variant type: single nucleotide variant.
Coding change: c.1083-3C>G on transcript NM_033118.4 (MANE Select); 3 bases into the intron before coding-DNA position 1083, C replaced by G.
Molecular consequence: intron variant.
Genome position (GRCh38, 1-based): chr20:31,826,794, C>G. VCF-style: chr20-31826794-C-G. GRCh37 (hg19) VCF-style: chr20-30414597-C-G.
Identifiers: ClinVar variation 1317385 (VCV001317385.2), dbSNP rs2123134814, ClinGen allele CA2573054863.

ClinVar aggregate classification (germline): Uncertain significance (1 of 4 stars; one submission).

Submission:

GeneDx
Classification: Uncertain significance. Last evaluated: 2020-10-22. Review status: criteria provided, single submitter. Criteria: GeneDx Variant Classification Process June 2021. Collection method: clinical testing. Allele origin: germline. Affected: yes.
Comment: Has not been previously published as pathogenic or benign to our knowledge; Not observed in large population cohorts (Lek et al., 2016); In-silico analysis, which includes splice predictors and evolutionary conservation, is inconclusive as to whether the variant alters gene splicing. In the absence of RNA/functional studies, the actual effect of this sequence change is unknown.